The following is an entry in ClinVar:

NM_000264.5(PTCH1):c.3180G>A (p.Leu1060=)

Gene: PTCH1 (patched 1; minus strand). Cytogenetic location: 9q22.32.
Variant type: single nucleotide variant.
Coding change: c.3180G>A on transcript NM_000264.5 (MANE Select); coding-DNA position 3180, G replaced by A.
Protein change: p.Leu1060=; no amino-acid change (leucine 1060 retained).
Molecular consequence: synonymous variant. On other transcripts: non-coding transcript variant (1).
Genome position (GRCh38, 1-based): chr9:95,456,402, C>T on the plus strand (G>A on the coding strand, the complement: PTCH1 is on the minus strand). VCF-style: chr9-95456402-C-T. GRCh37 (hg19) VCF-style: chr9-98218684-C-T.
Other names: c.2982G>A, p.Leu994= (NM_001083602.3); c.3177G>A, p.Leu1059= (NM_001083603.3); c.2727G>A, p.Leu909= (NM_001083604.3, NM_001083605.3, NM_001083606.3 and 1 more transcripts); c.3024G>A, p.Leu1008= (NM_001354918.2).
Identifiers: ClinVar variation 1035136 (VCV001035136.10), dbSNP rs757268536, ClinGen allele CA5138221.

ClinVar aggregate classification (germline): Conflicting classifications of pathogenicity. Review status: criteria provided, conflicting classifications (1 of 4 stars). 3 submissions from 3 submitters: Uncertain significance (1); Likely benign (2). Last evaluated 2025-12-03.

Conditions:
Hereditary cancer-predisposing syndrome. Also called: Neoplastic Syndromes, Hereditary; Hereditary Cancer Syndrome; Tumor predisposition; Hereditary neoplastic syndrome. Identifiers: Orphanet 140162, MedGen C0027672, MeSH D009386, MONDO:0015356.
Gorlin syndrome. Also called: Basal cell nevus syndrome; Nevoid Basal Cell Carcinoma Syndrome. Identifiers: Orphanet 377, MedGen C0004779, MONDO:0007187.

Allele frequency attached by ClinVar (database versions not stated): ExAC 0.00001; gnomAD exomes 0.00001.
gnomAD v4.1: 1 of 1,613,940 alleles (0.000062%); highest among the groups gnomAD compares: Non-Finnish European, 0.000085%; no homozygotes.

Submissions (3):

Labcorp Genetics (formerly Invitae), Labcorp
Classification: Likely benign for Gorlin syndrome. Last evaluated: 2025-12-03. Review status: criteria provided, single submitter. Criteria: Invitae Variant Classification Sherloc (09022015). Collection method: clinical testing. Allele origin: germline.

GeneDx
Classification: Uncertain significance. Last evaluated: 2021-12-15. Review status: criteria provided, single submitter. Criteria: GeneDx Variant Classification Process June 2021. Collection method: clinical testing. Allele origin: germline. Affected: yes.
Comment: Not observed at significant frequency in large population cohorts (gnomAD); In silico analysis supports that this variant does not alter splicing; Has not been previously published as pathogenic or benign to our knowledge

Ambry Genetics
Classification: Likely benign for Hereditary cancer-predisposing syndrome. Last evaluated: 2020-06-03. Review status: criteria provided, single submitter. Criteria: Ambry Variant Classification Scheme 2023. Collection method: clinical testing. Allele origin: germline.